The following is an entry in ClinVar:

NM_005732.4(RAD50):c.3120A>C (p.Gln1040His)

Gene: RAD50 (RAD50 double strand break repair protein; plus strand). Cytogenetic location: 5q31.1.
Variant type: single nucleotide variant.
Coding change: c.3120A>C on transcript NM_005732.4 (MANE Select); coding-DNA position 3120, A replaced by C.
Protein change: p.Gln1040His; replaces glutamine 1040 with histidine.
Molecular consequence: missense variant.
Genome position (GRCh38, 1-based): chr5:132,616,086, A>C. VCF-style: chr5-132616086-A-C. GRCh37 (hg19) VCF-style: chr5-131951778-A-C.
Other names: short protein forms Q1040H.
Identifiers: ClinVar variation 240231 (VCV000240231.13), dbSNP rs778106950, ClinGen allele CA3405517.

ClinVar aggregate classification (germline): Uncertain significance. Review status: criteria provided, multiple submitters, no conflicts (2 of 4 stars). 2 submissions from 2 submitters: Uncertain significance (2). Last evaluated 2024-12-20.

Conditions:
Hereditary cancer-predisposing syndrome. Also called: Neoplastic Syndromes, Hereditary; Hereditary neoplastic syndrome; Tumor predisposition; Hereditary Cancer Syndrome. Identifiers: Orphanet 140162, MedGen C0027672, MeSH D009386, MONDO:0015356.

gnomAD v4.1: 11 of 1,613,290 alleles (0.00068%); highest among the groups gnomAD compares: Non-Finnish European, 0.00093%; no homozygotes.

Submissions (2):

Ambry Genetics
Classification: Uncertain significance for Hereditary cancer-predisposing syndrome. Last evaluated: 2024-12-20. Review status: criteria provided, single submitter. Criteria: Ambry Variant Classification Scheme 2023. Collection method: clinical testing. Allele origin: germline.
Comment: The p.Q1040H variant (also known as c.3120A>C), located in coding exon 20 of the RAD50 gene, results from an A to C substitution at nucleotide position 3120. The glutamine at codon 1040 is replaced by histidine, an amino acid with highly similar properties. This amino acid position is well conserved in available vertebrate species. In addition, this alteration is predicted to be tolerated by in silico analysis. Since supporting evidence is limited at this time, the clinical significance of this alteration remains unclear.

Labcorp Genetics (formerly Invitae), Labcorp
Classification: Uncertain significance for Hereditary cancer-predisposing syndrome. Last evaluated: 2024-04-16. Review status: criteria provided, single submitter. Criteria: Invitae Variant Classification Sherloc (09022015). Collection method: clinical testing. Allele origin: germline.
Comment: This sequence change replaces glutamine, which is neutral and polar, with histidine, which is basic and polar, at codon 1040 of the RAD50 protein (p.Gln1040His). This variant is present in population databases (rs778106950, gnomAD 0.0009%). This variant has not been reported in the literature in individuals affected with RAD50-related conditions. ClinVar contains an entry for this variant (Variation ID: 240231). Advanced modeling of protein sequence and biophysical properties (such as structural, functional, and spatial information, amino acid conservation, physicochemical variation, residue mobility, and thermodynamic stability) performed at Invitae indicates that this missense variant is not expected to disrupt RAD50 protein function with a negative predictive value of 80%. In summary, the available evidence is currently insufficient to determine the role of this variant in disease. Therefore, it has been classified as a Variant of Uncertain Significance.